The following is an entry in ClinVar:

NM_152305.3(POGLUT1):c.56C>T (p.Pro19Leu)

Gene: POGLUT1 (protein O-glucosyltransferase 1; plus strand). Cytogenetic location: 3q13.33.
Variant type: single nucleotide variant.
Coding change: c.56C>T on transcript NM_152305.3 (MANE Select); coding-DNA position 56, C replaced by T.
Protein change: p.Pro19Leu; replaces proline 19 with leucine.
Molecular consequence: missense variant. On other transcripts: non-coding transcript variant (1).
Genome position (GRCh38, 1-based): chr3:119,469,077, C>T. VCF-style: chr3-119469077-C-T. GRCh37 (hg19) VCF-style: chr3-119187924-C-T.
Other names: c.56C>T, p.Pro19Leu (NM_020231.3); short protein forms P19L.
Identifiers: ClinVar variation 1910758 (VCV001910758.6), dbSNP rs758217795, ClinGen allele CA2554709.
Genomic context (GRCh38, chr3:119,469,077, plus strand): 5'-CGGCGATGGAGTGGTGGGCTAGCTCGCCGCTTCGGCTCTGGCTGCTGTTGTTCCTCCTGC[C>T]CTCAGCGCAGGGCCGCCAGAAGGAGTCAGGTGGGCTCCGGGCAGTGCCGAGCCTGCCCCT-3'
Protein context (NP_689518.1, residues 9-29): LRLWLLLFLL[Pro19Leu]SAQGRQKESG

ClinVar aggregate classification (germline): Uncertain significance. Review status: criteria provided, multiple submitters, no conflicts (2 of 4 stars). 2 submissions from 2 submitters: Uncertain significance (2). Last evaluated 2022-12-01.

Conditions:
Inborn genetic diseases. Identifiers: MedGen C0950123, MeSH D030342.

Allele frequency attached by ClinVar (database versions not stated): ExAC 0.00001; gnomAD 0.00001; gnomAD exomes 0.00001; TOPMed 0.00003.

Submissions (2):

Ambry Genetics
Classification: Uncertain significance for Inborn genetic diseases. Last evaluated: 2022-12-01. Review status: criteria provided, single submitter. Criteria: Ambry Variant Classification Scheme 2023. Collection method: clinical testing. Allele origin: germline.

Labcorp Genetics (formerly Invitae), Labcorp
Classification: Uncertain significance. Last evaluated: 2022-05-06. Review status: criteria provided, single submitter. Criteria: Invitae Variant Classification Sherloc (09022015). Collection method: clinical testing. Allele origin: germline.
Comment: In summary, the available evidence is currently insufficient to determine the role of this variant in disease. Therefore, it has been classified as a Variant of Uncertain Significance. Algorithms developed to predict the effect of missense changes on protein structure and function output the following: SIFT: "Not Available"; PolyPhen-2: "Benign"; Align-GVGD: "Not Available". The leucine amino acid residue is found in multiple mammalian species, which suggests that this missense change does not adversely affect protein function. This variant has not been reported in the literature in individuals affected with POGLUT1-related conditions. This variant is present in population databases (rs758217795, gnomAD 0.02%). This sequence change replaces proline, which is neutral and non-polar, with leucine, which is neutral and non-polar, at codon 19 of the POGLUT1 protein (p.Pro19Leu).